The following is an entry in ClinVar:

NM_000038.6(APC):c.6294T>G (p.Asn2098Lys)

Gene: APC (APC regulator of Wnt signaling pathway; plus strand). Cytogenetic location: 5q22.2.
Variant type: single nucleotide variant.
Coding change: c.6294T>G on transcript NM_000038.6 (MANE Select); coding-DNA position 6294, T replaced by G.
Protein change: p.Asn2098Lys; replaces asparagine 2098 with lysine.
Molecular consequence: missense variant.
Genome position (GRCh38, 1-based): chr5:112,841,888, T>G. VCF-style: chr5-112841888-T-G. GRCh37 (hg19) VCF-style: chr5-112177585-T-G.
Other names: c.6294T>G, p.Asn2098Lys (NM_001127510.3, NM_001354895.2); c.6240T>G, p.Asn2080Lys (NM_001127511.3); c.6348T>G, p.Asn2116Lys (NM_001354896.2); c.6324T>G, p.Asn2108Lys (NM_001354897.2); c.6219T>G, p.Asn2073Lys (NM_001354898.2); c.6210T>G, p.Asn2070Lys (NM_001354899.2); c.6171T>G, p.Asn2057Lys (NM_001354900.2); c.6117T>G, p.Asn2039Lys (NM_001354901.2); and 5 more; short protein forms N2080K, N2098K, N2039K, N2116K, N1997K, N2007K, N2070K, N1815K.
Identifiers: ClinVar variation 470040 (VCV000470040.17), dbSNP rs1554087318, ClinGen allele CA16035112.

ClinVar aggregate classification (germline): Uncertain significance. Review status: criteria provided, multiple submitters, no conflicts (2 of 4 stars). 3 submissions from 3 submitters: Uncertain significance (3). Last evaluated 2025-11-10.

Conditions:
Hereditary cancer-predisposing syndrome. Also called: Hereditary neoplastic syndrome; Neoplastic Syndromes, Hereditary; Tumor predisposition; Hereditary Cancer Syndrome. Identifiers: Orphanet 140162, MedGen C0027672, MeSH D009386, MONDO:0015356.
Familial adenomatous polyposis 1 (FAP1). Also called: POLYPOSIS, ADENOMATOUS INTESTINAL; FAMILIAL ADENOMATOUS POLYPOSIS 1, ATTENUATED. Identifiers: MedGen C2713442, MONDO:0021056, OMIM 175100. Disease mechanism: loss of function.
Classic or attenuated familial adenomatous polyposis. Identifiers: MedGen CN372698, MONDO:0021057.

Allele frequency attached by ClinVar (database versions not stated): gnomAD exomes below 0.00001.
gnomAD v4.1: 3 of 1,613,870 alleles (0.00019%); highest among the groups gnomAD compares: Non-Finnish European, 0.00017%; no homozygotes.

Submissions (3):

Labcorp Genetics (formerly Invitae), Labcorp
Classification: Uncertain significance for Familial adenomatous polyposis 1. Last evaluated: 2025-11-10. Review status: criteria provided, single submitter. Criteria: Invitae Variant Classification Sherloc (09022015). Collection method: clinical testing. Allele origin: germline.
Comment: This sequence change replaces asparagine, which is neutral and polar, with lysine, which is basic and polar, at codon 2098 of the APC protein (p.Asn2098Lys). This variant is not present in population databases (gnomAD no frequency). This variant has not been reported in the literature in individuals affected with APC-related conditions. ClinVar contains an entry for this variant (Variation ID: 470040). Invitae Evidence Modeling of protein sequence and biophysical properties (such as structural, functional, and spatial information, amino acid conservation, physicochemical variation, residue mobility, and thermodynamic stability) indicates that this missense variant is not expected to disrupt APC protein function with a negative predictive value of 95%. In summary, the available evidence is currently insufficient to determine the role of this variant in disease. Therefore, it has been classified as a Variant of Uncertain Significance.

All of Us Research Program, National Institutes of Health
Classification: Uncertain significance for Classic or attenuated familial adenomatous polyposis. Last evaluated: 2024-05-14. Review status: criteria provided, single submitter. Criteria: ACMG Guidelines, 2015. Collection method: clinical testing. Allele origin: germline. Inheritance: Autosomal dominant inheritance. Observed: 1 variant allele, 1 heterozygote.
Comment: This missense variant replaces asparagine with lysine at codon 2098 of the APC protein. Computational prediction suggests that this variant may not impact protein structure and function (internally defined REVEL score threshold <= 0.5, PMID: 27666373). To our knowledge, functional studies have not been reported for this variant. This variant has not been reported in individuals affected with APC-related disorders in the literature. This variant has not been identified in the general population by the Genome Aggregation Database (gnomAD). The available evidence is insufficient to determine the role of this variant in disease conclusively. Therefore, this variant is classified as a Variant of Uncertain Significance.

This study involves interpretation of variants in research participants for the purpose of population health screening. Participant phenotype was not available at the time of variant classification. Additional details can be found in publication PMID: 35346344, PMCID: PMC8962531

Ambry Genetics
Classification: Uncertain significance for Hereditary cancer-predisposing syndrome. Last evaluated: 2023-03-03. Review status: criteria provided, single submitter. Criteria: Ambry Variant Classification Scheme 2023. Collection method: clinical testing. Allele origin: germline.
Comment: The p.N2098K variant (also known as c.6294T>G), located in coding exon 15 of the APC gene, results from a T to G substitution at nucleotide position 6294. The asparagine at codon 2098 is replaced by lysine, an amino acid with similar properties. This amino acid position is not well conserved in available vertebrate species. In addition, in silico predictors for this gene do not accurately predict pathogenicity. Since supporting evidence is limited at this time, the clinical significance of this alteration remains unclear.